The following is an entry in ClinVar:

NM_017763.6(RNF43):c.1331G>A (p.Ser444Asn)

Gene: RNF43 (ring finger protein 43; minus strand). Cytogenetic location: 17q22.
Variant type: single nucleotide variant.
Coding change: c.1331G>A on transcript NM_017763.6 (MANE Select); coding-DNA position 1331, G replaced by A.
Protein change: p.Ser444Asn; replaces serine 444 with asparagine.
Molecular consequence: missense variant.
Genome position (GRCh38, 1-based): chr17:58,358,445, C>T on the plus strand (G>A on the coding strand, the complement: RNF43 is on the minus strand). VCF-style: chr17-58358445-C-T. GRCh37 (hg19) VCF-style: chr17-56435806-C-T.
Other names: c.1331G>A, p.Ser444Asn (NM_001305544.3); c.950G>A, p.Ser317Asn (NM_001305545.2); c.1331G>A (NM_017763.4); short protein forms S317N, S444N.
Identifiers: ClinVar variation 2890538 (VCV002890538.4), dbSNP rs1299147833, ClinGen allele CA400330230.

ClinVar aggregate classification (germline): Uncertain significance. Review status: criteria provided, multiple submitters, no conflicts (2 of 4 stars). 2 submissions from 2 submitters: Uncertain significance (2). Last evaluated 2025-07-16.

Allele frequency attached by ClinVar (database versions not stated): gnomAD exomes below 0.00001.
gnomAD v4.1: 2 of 1,614,008 alleles (0.00012%); highest among the groups gnomAD compares: South Asian, 0.0011%; no homozygotes.

Submissions (2):

Ambry Genetics
Classification: Uncertain significance. Last evaluated: 2025-07-16. Review status: criteria provided, single submitter. Criteria: Ambry Variant Classification Scheme 2023. Collection method: clinical testing. Allele origin: germline.
Comment: The p.S444N variant (also known as c.1331G>A), located in coding exon 8 of the RNF43 gene, results from a G to A substitution at nucleotide position 1331. The serine at codon 444 is replaced by asparagine, an amino acid with highly similar properties. This amino acid position is conserved. In addition, this alteration is predicted to be tolerated by in silico analysis. Based on the available evidence, the clinical significance of this variant remains unclear.

Labcorp Genetics (formerly Invitae), Labcorp
Classification: Uncertain significance. Last evaluated: 2023-09-09. Review status: criteria provided, single submitter. Criteria: Invitae Variant Classification Sherloc (09022015). Collection method: clinical testing. Allele origin: germline.
Comment: In summary, the available evidence is currently insufficient to determine the role of this variant in disease. Therefore, it has been classified as a Variant of Uncertain Significance. This sequence change replaces serine, which is neutral and polar, with asparagine, which is neutral and polar, at codon 444 of the RNF43 protein (p.Ser444Asn). This variant is present in population databases (no rsID available, gnomAD 0.003%). This variant has not been reported in the literature in individuals affected with RNF43-related conditions. An algorithm developed to predict the effect of missense changes on protein structure and function (PolyPhen-2) suggests that this variant is likely to be disruptive.